The following is an entry in ClinVar:

NM_004448.4(ERBB2):c.2690G>A (p.Arg897Gln)

Gene: ERBB2 (erb-b2 receptor tyrosine kinase 2; plus strand). Cytogenetic location: 17q12.
Variant type: single nucleotide variant.
Coding change: c.2690G>A on transcript NM_004448.4 (MANE Select); coding-DNA position 2690, G replaced by A.
Protein change: p.Arg897Gln; replaces arginine 897 with glutamine.
Molecular consequence: missense variant. On other transcripts: non-coding transcript variant (1), intron variant (1).
Genome position (GRCh38, 1-based): chr17:39,725,367, G>A. VCF-style: chr17-39725367-G-A. GRCh37 (hg19) VCF-style: chr17-37881620-G-A.
Other names: c.2600G>A, p.Arg867Gln (NM_001005862.3, NM_001382782.1, NM_001382783.1); c.2645G>A, p.Arg882Gln (NM_001289936.2); c.2690G>A, p.Arg897Gln (NM_001289937.2, NM_001382796.1); c.2807G>A, p.Arg936Gln (NM_001382784.1); c.2792G>A, p.Arg931Gln (NM_001382785.1); c.2771G>A, p.Arg924Gln (NM_001382786.1); c.2765G>A, p.Arg922Gln (NM_001382787.1); c.2720G>A, p.Arg907Gln (NM_001382788.1); and 15 more; short protein forms R551Q, R621Q, R811Q, R829Q, R835Q, R837Q, R845Q, R864Q.
Identifiers: ClinVar variation 2418813 (VCV002418813.6), dbSNP rs1196082930, ClinGen allele CA399305555.

ClinVar aggregate classification (germline): Uncertain significance (1 of 4 stars; one submission).

Allele frequency attached by ClinVar (database versions not stated): gnomAD exomes below 0.00001; TOPMed 0.00001.
gnomAD v4.1: 2 of 1,614,048 alleles (0.00012%); highest among the groups gnomAD compares: African/African-American, 0.0013%; no homozygotes.

Submission:

Labcorp Genetics (formerly Invitae), Labcorp
Classification: Uncertain significance. Last evaluated: 2024-05-21. Review status: criteria provided, single submitter. Criteria: Invitae Variant Classification Sherloc (09022015). Collection method: clinical testing. Allele origin: germline.
Comment: This sequence change replaces arginine, which is basic and polar, with glutamine, which is neutral and polar, at codon 897 of the ERBB2 protein (p.Arg897Gln). This variant is present in population databases (no rsID available, gnomAD 0.007%). This variant has not been reported in the literature in individuals affected with ERBB2-related conditions. ClinVar contains an entry for this variant (Variation ID: 2418813). Advanced modeling of protein sequence and biophysical properties (such as structural, functional, and spatial information, amino acid conservation, physicochemical variation, residue mobility, and thermodynamic stability) performed at Invitae indicates that this missense variant is not expected to disrupt ERBB2 protein function with a negative predictive value of 80%. In summary, the available evidence is currently insufficient to determine the role of this variant in disease. Therefore, it has been classified as a Variant of Uncertain Significance.